The following is an entry in ClinVar:

ClinVar aggregate classification (germline): Uncertain significance (1 of 4 stars; one submission).

Conditions:
Hereditary cancer-predisposing syndrome. Also called: Neoplastic Syndromes, Hereditary; Tumor predisposition; Hereditary Cancer Syndrome; Hereditary neoplastic syndrome. Identifiers: Orphanet 140162, MedGen C0027672, MeSH D009386, MONDO:0015356.

Allele frequency attached by ClinVar (database versions not stated): gnomAD exomes below 0.00001.
gnomAD v4.1: 1 of 1,613,420 alleles (0.000062%); highest among the groups gnomAD compares: Non-Finnish European, 0.000085%; no homozygotes.

Submission:

Ambry Genetics
Classification: Uncertain significance for Hereditary cancer-predisposing syndrome. Last evaluated: 2024-11-17. Review status: criteria provided, single submitter. Criteria: Ambry Variant Classification Scheme 2023. Collection method: clinical testing. Allele origin: germline.
Comment: The p.R58W variant (also known as c.172C>T), located in coding exon 1 of the GREM1 gene, results from a C to T substitution at nucleotide position 172. The arginine at codon 58 is replaced by tryptophan, an amino acid with dissimilar properties. This amino acid position is conserved. In addition, this alteration is predicted to be tolerated by in silico analysis. Since supporting evidence is limited at this time, the clinical significance of this alteration remains unclear.

NM_013372.7(GREM1):c.172C>T (p.Arg58Trp)

Gene: GREM1 (gremlin 1, DAN family BMP antagonist; plus strand). Cytogenetic location: 15q13.3.
Variant type: single nucleotide variant.
Coding change: c.172C>T on transcript NM_013372.7 (MANE Select); coding-DNA position 172, C replaced by T.
Protein change: p.Arg58Trp; replaces arginine 58 with tryptophan.
Molecular consequence: missense variant. On other transcripts: intron variant (2).
Genome position (GRCh38, 1-based): chr15:32,730,862, C>T. VCF-style: chr15-32730862-C-T. GRCh37 (hg19) VCF-style: chr15-33023063-C-T.
Other names: c.172C>T, p.Arg58Trp (NM_001368719.1); c.114+58C>T (NM_001191323.2); c.28-66C>T (NM_001191322.2); short protein forms R58W.
Identifiers: ClinVar variation 1778949 (VCV001778949.3), dbSNP rs1345351965, ClinGen allele CA391557339.